The following is an entry in ClinVar:

ClinVar aggregate classification (germline): Conflicting classifications of pathogenicity. Review status: criteria provided, conflicting classifications (1 of 4 stars). 4 submissions from 4 submitters: Uncertain significance (2); Likely benign (1). 1 of the submissions does not count toward it. Last evaluated 2023-05-16.

Conditions:
Acute aortic dissection. Identifiers: MedGen C0241868.
Congenital aneurysm of ascending aorta (AAT1). Also called: Aortic aneurysm, thoracic; Familial thoracic aortic aneurysm; AORTIC ANEURYSM, FAMILIAL THORACIC 1; ANNULOAORTIC ECTASIA. Identifiers: Orphanet 229, MedGen C0345050, MONDO:0024559, OMIM 607086.
Marfan syndrome (MFS). Also called: FBN1-Related Marfan Syndrome; Marfan syndrome type 1; Marfan's syndrome; Marfan syndrome, classic; MARFAN SYNDROME, TYPE I. Identifiers: Orphanet 284963, Orphanet 558, MedGen C0024796, MONDO:0007947, OMIM 154700.
Familial thoracic aortic aneurysm and aortic dissection (TAAD). Also called: Thoracic aortic aneurysms and dissections. Identifiers: Orphanet 91387, MedGen C4707243, MONDO:0019625.

Allele frequency attached by ClinVar (database versions not stated): gnomAD exomes below 0.00001.
gnomAD v4.1: 3 of 1,614,040 alleles (0.00019%); highest among the groups gnomAD compares: Non-Finnish European, 0.00025%; no homozygotes.

Submissions (4):

All of Us Research Program, National Institutes of Health
Classification: Uncertain significance for Marfan syndrome. Last evaluated: 2023-05-16. Review status: criteria provided, single submitter. Criteria: ACMG Guidelines, 2015. Collection method: clinical testing. Allele origin: germline. Inheritance: Autosomal dominant inheritance. Observed: 1 variant allele, 1 heterozygote.
Comment: This missense variant replaces asparagine with serine at codon 736 of the FBN1 protein. Computational prediction is inconclusive regarding the impact of this variant on protein structure and function (internally defined REVEL score threshold 0.5 < inconclusive < 0.7, PMID: 27666373). To our knowledge, functional studies have not been reported for this variant. This variant has been observed in a family affected with thoracic aortic aneurysms and dissections but the variant was reported to not segregate with disease in the family (PMID: 26621581). This variant has not been identified in the general population by the Genome Aggregation Database (gnomAD). The available evidence is insufficient to determine the role of this variant in disease conclusively. Therefore, this variant is classified as a Variant of Uncertain Significance.

This study involves interpretation of variants in research participants for the purpose of population health screening. Participant phenotype was not available at the time of variant classification. Additional details can be found in publication PMID: 35346344, PMCID: PMC8962531

Labcorp Genetics (formerly Invitae), Labcorp
Classification: Uncertain significance for Marfan syndrome; Familial thoracic aortic aneurysm and aortic dissection. Last evaluated: 2022-09-29. Review status: criteria provided, single submitter. Criteria: Invitae Variant Classification Sherloc (09022015). Collection method: clinical testing. Allele origin: germline.
Comment: In summary, the available evidence is currently insufficient to determine the role of this variant in disease. Therefore, it has been classified as a Variant of Uncertain Significance. Advanced modeling of protein sequence and biophysical properties (such as structural, functional, and spatial information, amino acid conservation, physicochemical variation, residue mobility, and thermodynamic stability) performed at Invitae indicates that this missense variant is expected to disrupt FBN1 protein function. ClinVar contains an entry for this variant (Variation ID: 617875). This missense change has been observed in individual(s) with clinical features of FBN1-related conditions (PMID: 26621581). This variant is not present in population databases (gnomAD no frequency). This sequence change replaces asparagine, which is neutral and polar, with serine, which is neutral and polar, at codon 736 of the FBN1 protein (p.Asn736Ser).

Institute of Human Genetics, University of Leipzig Medical Center
Classification: Likely benign for Marfan syndrome. Last evaluated: 2020-11-26. Review status: criteria provided, single submitter. Criteria: ACMG Guidelines, 2015. Collection method: clinical testing. Allele origin: unknown. Affected: yes.

University of Washington Center for Mendelian Genomics, University of Washington
Classification: Likely benign for Familial thoracic aortic aneurysms; Acute aortic dissections. Last evaluated: 2016-01-20. Review status: no assertion criteria provided. Collection method: research. Allele origin: unknown. Affected: yes. Not counted in ClinVar's aggregate classification.

Literature cited by the submitters: PubMed 26621581 (cited by 3 submitters).

NM_000138.5(FBN1):c.2207A>G (p.Asn736Ser)

Gene: FBN1 (fibrillin 1; minus strand). Cytogenetic location: 15q21.1.
Variant type: single nucleotide variant.
Coding change: c.2207A>G on transcript NM_000138.5 (MANE Select); coding-DNA position 2207, A replaced by G.
Protein change: p.Asn736Ser; replaces asparagine 736 with serine.
Molecular consequence: missense variant.
Genome position (GRCh38, 1-based): chr15:48,497,352, T>C on the plus strand (A>G on the coding strand, the complement: FBN1 is on the minus strand). VCF-style: chr15-48497352-T-C. GRCh37 (hg19) VCF-style: chr15-48789549-T-C.
Other names: short protein forms N736S.
Identifiers: ClinVar variation 617875 (VCV000617875.8), dbSNP rs1566912242, ClinGen allele CA392335771.